The following is an entry in ClinVar:

NM_001379286.1(ZNF423):c.3482C>A (p.Pro1161His)

Gene: ZNF423 (zinc finger protein 423; minus strand). Cytogenetic location: 16q12.1.
Variant type: single nucleotide variant.
Coding change: c.3482C>A on transcript NM_001379286.1 (MANE Select); coding-DNA position 3482, C replaced by A.
Protein change: p.Pro1161His; replaces proline 1161 with histidine.
Molecular consequence: missense variant.
Genome position (GRCh38, 1-based): chr16:49,635,694, G>T on the plus strand (C>A on the coding strand, the complement: ZNF423 is on the minus strand). VCF-style: chr16-49635694-G-T. GRCh37 (hg19) VCF-style: chr16-49669605-G-T.
Other names: c.3278C>A, p.Pro1093His (NM_001271620.2); c.3107C>A, p.Pro1036His (NM_001330533.2); c.3458C>A, p.Pro1153His (NM_015069.5); short protein forms P1036H, P1161H, P1093H, P1153H.
Identifiers: ClinVar variation 1969763 (VCV001969763.6), dbSNP rs2506968844, ClinGen allele CA395839198.
Genomic context (GRCh38, chr16:49,635,694, plus strand): 5'-AGCAGGATGAGGTGGACTGCACTTACCCGGGGCACTGGCGATGTCTGGGTGCCTTTCCGG[G>T]GCCCACTGGTCTCCGGCGTGAGGTCACGGTGGTCCACCTGCATGTGGCTCTCCAGGTCTT-3'
Protein context (NP_001366215.1, residues 1151-1171): HRDLTPETSG[Pro1161His]RKGTQTSPVP

ClinVar aggregate classification (germline): Uncertain significance. Review status: criteria provided, multiple submitters, no conflicts (2 of 4 stars). 2 submissions from 2 submitters: Uncertain significance (2). Last evaluated 2024-01-24.

Conditions:
Nephronophthisis 14 (NPHP14). Identifiers: Orphanet 2318, MedGen C3539071, MONDO:0013916, OMIM 614844.

Submissions (2):

Labcorp Genetics (formerly Invitae), Labcorp
Classification: Uncertain significance for Nephronophthisis 14. Last evaluated: 2024-01-24. Review status: criteria provided, single submitter. Criteria: Invitae Variant Classification Sherloc (09022015). Collection method: clinical testing. Allele origin: germline.
Comment: This sequence change replaces proline, which is neutral and non-polar, with histidine, which is basic and polar, at codon 1153 of the ZNF423 protein (p.Pro1153His). This variant is not present in population databases (gnomAD no frequency). This variant has not been reported in the literature in individuals affected with ZNF423-related conditions. ClinVar contains an entry for this variant (Variation ID: 1969763). Advanced modeling of protein sequence and biophysical properties (such as structural, functional, and spatial information, amino acid conservation, physicochemical variation, residue mobility, and thermodynamic stability) performed at Invitae indicates that this missense variant is not expected to disrupt ZNF423 protein function with a negative predictive value of 80%. In summary, the available evidence is currently insufficient to determine the role of this variant in disease. Therefore, it has been classified as a Variant of Uncertain Significance.

Blueprint Genetics
Classification: Uncertain significance. Last evaluated: 2021-07-01. Review status: criteria provided, single submitter. Criteria: ACMG Guidelines, 2015. Collection method: clinical testing. Allele origin: germline.